The following is an entry in ClinVar:

ClinVar aggregate classification (germline): Uncertain significance (1 of 4 stars; one submission).

Conditions:
Neonatal-onset encephalopathy with rigidity and seizures. Also called: Lethal neonatal spasticity-epileptic encephalopathy syndrome. Identifiers: Orphanet 435845, MedGen C3281029, MONDO:0013784, OMIM 614498.

Allele frequency attached by ClinVar (database versions not stated): TOPMed 0.00002.

Submission:

Labcorp Genetics (formerly Invitae), Labcorp
Classification: Uncertain significance for Neonatal-onset encephalopathy with rigidity and seizures. Last evaluated: 2022-04-09. Review status: criteria provided, single submitter. Criteria: Invitae Variant Classification Sherloc (09022015). Collection method: clinical testing. Allele origin: germline.
Comment: This sequence change replaces valine, which is neutral and non-polar, with isoleucine, which is neutral and non-polar, at codon 171 of the BRAT1 protein (p.Val171Ile). The frequency data for this variant in the population databases is considered unreliable, as metrics indicate poor data quality at this position in the gnomAD database. This variant has not been reported in the literature in individuals affected with BRAT1-related conditions. ClinVar contains an entry for this variant (Variation ID: 643263). Algorithms developed to predict the effect of missense changes on protein structure and function output the following: SIFT: "Tolerated"; PolyPhen-2: "Benign"; Align-GVGD: "Class C0". The isoleucine amino acid residue is found in multiple mammalian species, which suggests that this missense change does not adversely affect protein function. In summary, the available evidence is currently insufficient to determine the role of this variant in disease. Therefore, it has been classified as a Variant of Uncertain Significance.

NM_152743.4(BRAT1):c.511G>A (p.Val171Ile)

Gene: BRAT1 (BRCA1 associated ATM activator 1; minus strand). Cytogenetic location: 7p22.3.
Variant type: single nucleotide variant.
Coding change: c.511G>A on transcript NM_152743.4 (MANE Select); coding-DNA position 511, G replaced by A.
Protein change: p.Val171Ile; replaces valine 171 with isoleucine.
Molecular consequence: missense variant. On other transcripts: 5 prime UTR variant (1), non-coding transcript variant (1).
Genome position (GRCh38, 1-based): chr7:2,543,882, C>T on the plus strand (G>A on the coding strand, the complement: BRAT1 is on the minus strand). VCF-style: chr7-2543882-C-T. GRCh37 (hg19) VCF-style: chr7-2583516-C-T.
Other names: c.511G>A, p.Val171Ile (NM_001350626.2); c.-15G>A (NM_001350627.2); short protein forms V171I.
Identifiers: ClinVar variation 643263 (VCV000643263.6), dbSNP rs769663853, ClinGen allele CA366632339.